The following is an entry in ClinVar:

NM_001844.5(COL2A1):c.2094+5G>A

Gene: COL2A1 (collagen type II alpha 1 chain; minus strand). Cytogenetic location: 12q13.11.
Variant type: single nucleotide variant.
Coding change: c.2094+5G>A on transcript NM_001844.5 (MANE Select); 5 bases into the intron after coding-DNA position 2094, G replaced by A.
Molecular consequence: intron variant.
Genome position (GRCh38, 1-based): chr12:47,983,088, C>T on the plus strand (G>A on the coding strand, the complement: COL2A1 is on the minus strand). VCF-style: chr12-47983088-C-T. GRCh37 (hg19) VCF-style: chr12-48376871-C-T.
Other names: c.1887+5G>A (NM_033150.3).
Identifiers: ClinVar variation 2839717 (VCV002839717.4), dbSNP rs775107523, ClinGen allele CA6535247.

ClinVar aggregate classification (germline): Uncertain significance. Review status: criteria provided, multiple submitters, no conflicts (2 of 4 stars). 2 submissions from 2 submitters: Uncertain significance (2). Last evaluated 2023-04-26.

Allele frequency attached by ClinVar (database versions not stated): TOPMed below 0.00001; ExAC 0.00001; gnomAD 0.00001.

Submissions (2):

Labcorp Genetics (formerly Invitae), Labcorp
Classification: Uncertain significance. Last evaluated: 2023-04-26. Review status: criteria provided, single submitter. Criteria: Invitae Variant Classification Sherloc (09022015). Collection method: clinical testing. Allele origin: germline.
Comment: This variant has not been reported in the literature in individuals affected with COL2A1-related conditions. This variant is present in population databases (rs775107523, gnomAD 0.007%). This sequence change falls in intron 32 of the COL2A1 gene. It does not directly change the encoded amino acid sequence of the COL2A1 protein. It affects a nucleotide within the consensus splice site. Variants that disrupt the consensus splice site are a relatively common cause of aberrant splicing (PMID: 17576681, 9536098). Algorithms developed to predict the effect of sequence changes on RNA splicing suggest that this variant is not likely to affect RNA splicing. In summary, the available evidence is currently insufficient to determine the role of this variant in disease. Therefore, it has been classified as a Variant of Uncertain Significance.

Blueprint Genetics
Classification: Uncertain significance. Last evaluated: 2021-05-17. Review status: criteria provided, single submitter. Criteria: ACMG Guidelines, 2015. Collection method: clinical testing. Allele origin: germline.

Literature cited by the submitters: PubMed 17576681 (cited by Labcorp Genetics (formerly Invitae), Labcorp); PubMed 9536098 (cited by Labcorp Genetics (formerly Invitae), Labcorp).